The following is an entry in ClinVar:

NM_001903.5(CTNNA1):c.122A>G (p.Asn41Ser)

Gene: CTNNA1 (catenin alpha 1; plus strand). Cytogenetic location: 5q31.2.
Variant type: single nucleotide variant.
Coding change: c.122A>G on transcript NM_001903.5 (MANE Select); coding-DNA position 122, A replaced by G.
Protein change: p.Asn41Ser; replaces asparagine 41 with serine.
Molecular consequence: missense variant. On other transcripts: 5 prime UTR variant (1), intron variant (1).
Genome position (GRCh38, 1-based): chr5:138,783,193, A>G. VCF-style: chr5-138783193-A-G. GRCh37 (hg19) VCF-style: chr5-138118882-A-G.
Other names: c.122A>G, p.Asn41Ser (NM_001290307.3, NM_001323982.2, NM_001323983.1 and 3 more transcripts); c.-85A>G (NM_001290310.3); c.-9+1164A>G (NM_001290309.3); short protein forms N41S.
Identifiers: ClinVar variation 862111 (VCV000862111.9), dbSNP rs1755322192, ClinGen allele CA361477291.

ClinVar aggregate classification (germline): Uncertain significance (1 of 4 stars; one submission).

Submission:

Labcorp Genetics (formerly Invitae), Labcorp
Classification: Uncertain significance. Last evaluated: 2019-10-15. Review status: criteria provided, single submitter. Criteria: Invitae Variant Classification Sherloc (09022015). Collection method: clinical testing. Allele origin: germline.
Comment: This sequence change replaces asparagine with serine at codon 41 of the CTNNA1 protein (p.Asn41Ser). The asparagine residue is highly conserved and there is a small physicochemical difference between asparagine and serine. This variant is not present in population databases (ExAC no frequency). This variant has not been reported in the literature in individuals with CTNNA1-related conditions. Algorithms developed to predict the effect of missense changes on protein structure and function are either unavailable or do not agree on the potential impact of this missense change (SIFT: "Deleterious"; PolyPhen-2: "Benign"; Align-GVGD: "Class C0"). In summary, the available evidence is currently insufficient to determine the role of this variant in disease. Therefore, it has been classified as a Variant of Uncertain Significance.